The following is an entry in ClinVar:

ClinVar aggregate classification (germline): Uncertain significance. Review status: criteria provided, multiple submitters, no conflicts (2 of 4 stars). 2 submissions from 2 submitters: Uncertain significance (2). Last evaluated 2024-08-01.

Conditions:
Hereditary cancer-predisposing syndrome. Also called: Neoplastic Syndromes, Hereditary; Tumor predisposition; Hereditary Cancer Syndrome; Hereditary neoplastic syndrome. Identifiers: Orphanet 140162, MedGen C0027672, MeSH D009386, MONDO:0015356.
Haddad syndrome (OHD). Also called: Ondine-Hirschsprung disease. Identifiers: Orphanet 99803, MedGen C1859049, MONDO:0020493.

Allele frequency attached by ClinVar (database versions not stated): ExAC 0.00001; gnomAD 0.00001; TOPMed 0.00001.

Submissions (2):

Ambry Genetics
Classification: Uncertain significance for Hereditary cancer-predisposing syndrome. Last evaluated: 2024-08-01. Review status: criteria provided, single submitter. Criteria: Ambry Variant Classification Scheme 2023. Collection method: clinical testing. Allele origin: germline.
Comment: The p.A163T variant (also known as c.487G>A), located in coding exon 3 of the PHOX2B gene, results from a G to A substitution at nucleotide position 487. The alanine at codon 163 is replaced by threonine, an amino acid with similar properties. This amino acid position is well conserved in available vertebrate species. In addition, the in silico prediction for this alteration is inconclusive. Based on the available evidence, the clinical significance of this variant remains unclear.

Labcorp Genetics (formerly Invitae), Labcorp
Classification: Uncertain significance for Haddad syndrome. Last evaluated: 2023-04-28. Review status: criteria provided, single submitter. Criteria: Invitae Variant Classification Sherloc (09022015). Collection method: clinical testing. Allele origin: germline.
Comment: This sequence change replaces alanine, which is neutral and non-polar, with threonine, which is neutral and polar, at codon 163 of the PHOX2B protein (p.Ala163Thr). In summary, the available evidence is currently insufficient to determine the role of this variant in disease. Therefore, it has been classified as a Variant of Uncertain Significance. Advanced modeling of protein sequence and biophysical properties (such as structural, functional, and spatial information, amino acid conservation, physicochemical variation, residue mobility, and thermodynamic stability) performed at Invitae indicates that this missense variant is not expected to disrupt PHOX2B protein function. ClinVar contains an entry for this variant (Variation ID: 535768). This variant has not been reported in the literature in individuals affected with PHOX2B-related conditions. The frequency data for this variant in the population databases is considered unreliable, as metrics indicate poor data quality at this position in the gnomAD database.

NM_003924.4(PHOX2B):c.487G>A (p.Ala163Thr)

Gene: PHOX2B (paired like homeobox 2B; minus strand). Cytogenetic location: 4p13.
Variant type: single nucleotide variant.
Coding change: c.487G>A on transcript NM_003924.4 (MANE Select); coding-DNA position 487, G replaced by A.
Protein change: p.Ala163Thr; replaces alanine 163 with threonine.
Molecular consequence: missense variant.
Genome position (GRCh38, 1-based): chr4:41,746,265, C>T on the plus strand (G>A on the coding strand, the complement: PHOX2B is on the minus strand). VCF-style: chr4-41746265-C-T. GRCh37 (hg19) VCF-style: chr4-41748282-C-T.
Other names: short protein forms A163T.
Identifiers: ClinVar variation 535768 (VCV000535768.11), dbSNP rs767837376, ClinGen allele CA2901489.